The following is an entry in ClinVar:

NM_019066.5(MAGEL2):c.1271G>A (p.Arg424His)

Gene: MAGEL2 (MAGE family member L2; minus strand). Cytogenetic location: 15q11.2.
Variant type: single nucleotide variant.
Coding change: c.1271G>A on transcript NM_019066.5 (MANE Select); coding-DNA position 1271, G replaced by A.
Protein change: p.Arg424His; replaces arginine 424 with histidine.
Molecular consequence: missense variant.
Genome position (GRCh38, 1-based): chr15:23,646,472, C>T on the plus strand (G>A on the coding strand, the complement: MAGEL2 is on the minus strand). VCF-style: chr15-23646472-C-T. GRCh37 (hg19) VCF-style: chr15-23891619-C-T.
Other names: c.1271G>A (NM_019066.4); short protein forms R424H.
Identifiers: ClinVar variation 1908732 (VCV001908732.6), dbSNP rs1206732355, ClinGen allele CA391334686.

ClinVar aggregate classification (germline): Uncertain significance. Review status: criteria provided, multiple submitters, no conflicts (2 of 4 stars). 2 submissions from 2 submitters: Uncertain significance (2). Last evaluated 2026-04-19.

Conditions:
MAGEL2-related disorder. Also called: MAGEL2-related condition.

Allele frequency attached by ClinVar (database versions not stated): gnomAD 0.00001.

Submissions (2):

PreventionGenetics, part of Exact Sciences
Classification: Uncertain significance for MAGEL2-related condition. Last evaluated: 2026-04-19. Review status: criteria provided, single submitter. Criteria: ACMG Guidelines, 2015. Collection method: clinical testing. Allele origin: germline.
Comment: The MAGEL2 c.1271G>A variant is predicted to result in the amino acid substitution p.Arg424His. To our knowledge, this variant has not been reported in the literature. This variant is reported in 0.0077% of alleles in individuals of African descent in gnomAD. At this time, the clinical significance of this variant is uncertain due to the absence of conclusive functional and genetic evidence.

Labcorp Genetics (formerly Invitae), Labcorp
Classification: Uncertain significance. Last evaluated: 2022-10-08. Review status: criteria provided, single submitter. Criteria: Invitae Variant Classification Sherloc (09022015). Collection method: clinical testing. Allele origin: germline.
Comment: This sequence change replaces arginine, which is basic and polar, with histidine, which is basic and polar, at codon 424 of the MAGEL2 protein (p.Arg424His). The frequency data for this variant in the population databases is considered unreliable, as metrics indicate poor data quality at this position in the gnomAD database. In summary, the available evidence is currently insufficient to determine the role of this variant in disease. Therefore, it has been classified as a Variant of Uncertain Significance. Experimental studies and prediction algorithms are not available or were not evaluated, and the functional significance of this variant is currently unknown. This variant has not been reported in the literature in individuals affected with MAGEL2-related conditions.